The following is an entry in ClinVar:

NM_001382391.1(CSPP1):c.727A>C (p.Asn243His)

Gene: CSPP1 (centrosome and spindle pole associated protein 1; plus strand). Cytogenetic location: 8q13.1.
Variant type: single nucleotide variant.
Coding change: c.727A>C on transcript NM_001382391.1 (MANE Select); coding-DNA position 727, A replaced by C.
Protein change: p.Asn243His; replaces asparagine 243 with histidine.
Molecular consequence: missense variant. On other transcripts: 5 prime UTR variant (1).
Genome position (GRCh38, 1-based): chr8:67,095,536, A>C. VCF-style: chr8-67095536-A-C. GRCh37 (hg19) VCF-style: chr8-68007771-A-C.
Other names: c.-129A>C (NM_001291339.2); c.646A>C, p.Asn216His (NM_001363131.2, NM_001363133.2); c.727A>C, p.Asn243His (NM_001363132.2); c.835A>C, p.Asn279His (NM_001364869.1); c.754A>C, p.Asn252His (NM_001364870.1, NM_024790.7); short protein forms N279H, N216H, N243H, N252H.
Identifiers: ClinVar variation 1374053 (VCV001374053.6), dbSNP rs777234205, ClinGen allele CA371190993.

ClinVar aggregate classification (germline): Uncertain significance (1 of 4 stars; one submission).

Conditions:
Joubert syndrome 21 (JBTS21). Identifiers: MedGen C3810212, MONDO:0014288, OMIM 615636.

Allele frequency attached by ClinVar (database versions not stated): TOPMed below 0.00001.
gnomAD v4.1: 4 of 1,613,884 alleles (0.00025%); highest among the groups gnomAD compares: Non-Finnish European, 0.00034%; no homozygotes.

Submission:

Labcorp Genetics (formerly Invitae), Labcorp
Classification: Uncertain significance for Joubert syndrome 21. Last evaluated: 2021-08-11. Review status: criteria provided, single submitter. Criteria: Invitae Variant Classification Sherloc (09022015). Collection method: clinical testing. Allele origin: germline.
Comment: This sequence change replaces asparagine with histidine at codon 252 of the CSPP1 protein (p.Asn252His). The asparagine residue is weakly conserved and there is a small physicochemical difference between asparagine and histidine. In summary, the available evidence is currently insufficient to determine the role of this variant in disease. Therefore, it has been classified as a Variant of Uncertain Significance. Algorithms developed to predict the effect of missense changes on protein structure and function are either unavailable or do not agree on the potential impact of this missense change (SIFT: "Tolerated"; PolyPhen-2: "Possibly Damaging"; Align-GVGD: "Class C0"). This variant has not been reported in the literature in individuals affected with CSPP1-related conditions. This variant is not present in population databases (ExAC no frequency).